The following is an entry in ClinVar:

ClinVar aggregate classification (germline): Uncertain significance. Review status: criteria provided, multiple submitters, no conflicts (2 of 4 stars). 3 submissions from 3 submitters: Uncertain significance (3). Last evaluated 2025-11-09.

Conditions:
Long QT syndrome (LQTS). Identifiers: MedGen C0023976, MeSH D008133, MONDO:0002442. Disease mechanism: loss of function. Inheritance: Various modes of inheritance.
Cardiovascular phenotype. Identifiers: MedGen CN230736.

Allele frequency attached by ClinVar (database versions not stated): gnomAD exomes 0.00001.
gnomAD v4.1: 10 of 1,612,678 alleles (0.00062%); highest among the groups gnomAD compares: African/African-American, 0.004%; no homozygotes.

Submissions (3):

Labcorp Genetics (formerly Invitae), Labcorp
Classification: Uncertain significance for Long QT syndrome. Last evaluated: 2025-11-09. Review status: criteria provided, single submitter. Criteria: Invitae Variant Classification Sherloc (09022015). Collection method: clinical testing. Allele origin: germline.
Comment: This sequence change replaces arginine, which is basic and polar, with tryptophan, which is neutral and slightly polar, at codon 2009 of the CACNA1C protein (p.Arg2009Trp). This variant is not present in population databases (gnomAD no frequency). This variant has not been reported in the literature in individuals affected with CACNA1C-related conditions. ClinVar contains an entry for this variant (Variation ID: 1023731). Invitae Evidence Modeling of protein sequence and biophysical properties (such as structural, functional, and spatial information, amino acid conservation, physicochemical variation, residue mobility, and thermodynamic stability) indicates that this missense variant is not expected to disrupt CACNA1C protein function with a negative predictive value of 95%. In summary, the available evidence is currently insufficient to determine the role of this variant in disease. Therefore, it has been classified as a Variant of Uncertain Significance.

Ambry Genetics
Classification: Uncertain significance for Cardiovascular phenotype. Last evaluated: 2025-03-13. Review status: criteria provided, single submitter. Criteria: Ambry Variant Classification Scheme 2023. Collection method: clinical testing. Allele origin: germline.
Comment: The p.R2009W variant (also known as c.6025C>T), located in coding exon 46 of the CACNA1C gene, results from a C to T substitution at nucleotide position 6025. The arginine at codon 2009 is replaced by tryptophan, an amino acid with dissimilar properties. This amino acid position is highly conserved in available vertebrate species. In addition, this alteration is predicted to be tolerated by in silico analysis. Based on the available evidence, the clinical significance of this variant remains unclear.

Blueprint Genetics
Classification: Uncertain significance. Last evaluated: 2024-08-09. Review status: criteria provided, single submitter. Criteria: ACMG Guidelines, 2015. Collection method: clinical testing. Allele origin: germline.

NM_000719.7(CACNA1C):c.6025C>T (p.Arg2009Trp)

Genes: CACNA1C (calcium voltage-gated channel subunit alpha1 C; plus strand), CACNA1C-AS1 (CACNA1C antisense RNA 1; minus strand). Cytogenetic location: 12p13.33.
Variant type: single nucleotide variant.
Coding change: c.6025C>T on transcript NM_000719.7 (MANE Select); coding-DNA position 6025, C replaced by T.
Protein change: p.Arg2009Trp; replaces arginine 2009 with tryptophan.
Molecular consequence: missense variant.
Genome position (GRCh38, 1-based): chr12:2,688,687, C>T. VCF-style: chr12-2688687-C-T. GRCh37 (hg19) VCF-style: chr12-2797853-C-T.
Other names: c.6025C>T (NM_000719.6); c.6169C>T, p.Arg2057Trp (NM_001129827.2); c.6148C>T, p.Arg2050Trp (NM_001129829.2); c.6130C>T, p.Arg2044Trp (NM_001129830.3, NM_001167624.3); c.6109C>T, p.Arg2037Trp (NM_001129831.2); c.6085C>T, p.Arg2029Trp (NM_001129832.2); c.6082C>T, p.Arg2028Trp (NM_001129833.2, NM_001129834.2, NM_001129835.2); c.6076C>T, p.Arg2026Trp (NM_001129836.2); and 7 more; short protein forms R1998W, R2006W, R2009W, R2015W, R2017W, R2026W, R2028W, R2029W.
Identifiers: ClinVar variation 1023731 (VCV001023731.8), dbSNP rs1358638533, ClinGen allele CA383385184.
Genomic context (GRCh38, chr12:2,688,687, plus strand): 5'-TCCATCCACTGCGGCTCCTGGGCTGAGACCACCCCCGGTGGCGGGGGCAGCAGCGCCGCC[C>T]GGAGAGTCCGGCCCGTCTCCCTCATGGTGCCCAGCCAGGCTGGGGCCCCAGGGAGGCAGT-3'
Protein context (NP_000710.5, residues 1999-2019): TPGGGGSSAA[Arg2009Trp]RVRPVSLMVP